The following is an entry in ClinVar:

ClinVar aggregate classification (germline): Likely benign (1 of 4 stars; one submission).

Allele frequency attached by ClinVar (database versions not stated): gnomAD 0.00023 and 0.00024; TOPMed 0.00026.
gnomAD v4.1: 24 of 103,338 alleles (0.023%); highest among the groups gnomAD compares: Non-Finnish European, 0.045%; no homozygotes.

Submission:

CeGaT Center for Human Genetics Tuebingen
Classification: Likely benign. Last evaluated: 2026-07-01. Review status: criteria provided, single submitter. Criteria: CeGaT Center For Human Genetics Tuebingen Variant Classification Criteria Version 2. Collection method: clinical testing. Allele origin: germline. Affected: yes. Observed: 4 variant alleles.
Comment: GLA: BS2

NM_000169.3(GLA):c.195-1193C>T

Genes: GLA (galactosidase alpha; minus strand), RPL36A-HNRNPH2 (RPL36A-HNRNPH2 readthrough; plus strand). Cytogenetic location: Xq22.1.
Variant type: single nucleotide variant.
Coding change: c.195-1193C>T on transcript NM_000169.3 (MANE Select); 1193 bases into the intron before coding-DNA position 195, C replaced by T.
Molecular consequence: intron variant. On other transcripts: missense variant (2).
Genome position (GRCh38, 1-based): chrX:101,405,178, G>A on the plus strand (C>T on the coding strand, the complement: GLA is on the minus strand). VCF-style: chrX-101405178-G-A. GRCh37 (hg19) VCF-style: chrX-100660166-G-A.
Other names: c.250C>T, p.Pro84Ser (NM_001406747.1, NM_001406749.1); c.301-6758G>A (NM_001199973.2); c.178-6758G>A (NM_001199974.2); c.195-1193C>T (NM_001406748.1); short protein forms P84S.
Identifiers: ClinVar variation 1701607 (VCV001701607.31), dbSNP rs887996815, ClinGen allele CA333095375.